The following is an entry in ClinVar:

NM_001025603.2(RFX5):c.1582G>C (p.Ala528Pro)

Gene: RFX5 (regulatory factor X5; minus strand). Cytogenetic location: 1q21.3.
Variant type: single nucleotide variant.
Coding change: c.1582G>C on transcript NM_001025603.2 (MANE Select); coding-DNA position 1582, G replaced by C.
Protein change: p.Ala528Pro; replaces alanine 528 with proline.
Molecular consequence: missense variant.
Genome position (GRCh38, 1-based): chr1:151,342,455, C>G on the plus strand (G>C on the coding strand, the complement: RFX5 is on the minus strand). VCF-style: chr1-151342455-C-G. GRCh37 (hg19) VCF-style: chr1-151314931-C-G.
Other names: c.1582G>C, p.Ala528Pro (NM_000449.4, NM_001379412.1, NM_001379413.1 and 5 more transcripts); c.1462G>C, p.Ala488Pro (NM_001379419.1, NM_001379420.1); short protein forms A488P, A528P.
Identifiers: ClinVar variation 1964239 (VCV001964239.6), dbSNP rs766981191, ClinGen allele CA341924969.

ClinVar aggregate classification (germline): Uncertain significance. Review status: criteria provided, multiple submitters, no conflicts (2 of 4 stars). 2 submissions from 2 submitters: Uncertain significance (2). Last evaluated 2025-08-29.

Conditions:
MHC class II deficiency. Also called: Bare lymphocyte syndrome 2; BLS, TYPE II. Identifiers: Orphanet 572, MedGen C5447452, MONDO:0008855.

Submissions (2):

Ambry Genetics
Classification: Uncertain significance. Last evaluated: 2025-08-29. Review status: criteria provided, single submitter. Criteria: Ambry Variant Classification Scheme 2023. Collection method: clinical testing. Allele origin: germline.

Labcorp Genetics (formerly Invitae), Labcorp
Classification: Uncertain significance for MHC class II deficiency. Last evaluated: 2023-11-27. Review status: criteria provided, single submitter. Criteria: Invitae Variant Classification Sherloc (09022015). Collection method: clinical testing. Allele origin: germline.
Comment: This sequence change replaces alanine, which is neutral and non-polar, with proline, which is neutral and non-polar, at codon 528 of the RFX5 protein (p.Ala528Pro). This variant is present in population databases (no rsID available, gnomAD 0.006%). This variant has not been reported in the literature in individuals affected with RFX5-related conditions. ClinVar contains an entry for this variant (Variation ID: 1964239). Algorithms developed to predict the effect of missense changes on protein structure and function output the following: SIFT: "Not Available"; PolyPhen-2: "Benign"; Align-GVGD: "Not Available". The proline amino acid residue is found in multiple mammalian species, which suggests that this missense change does not adversely affect protein function. In summary, the available evidence is currently insufficient to determine the role of this variant in disease. Therefore, it has been classified as a Variant of Uncertain Significance.